The following is an entry in ClinVar:

ClinVar aggregate classification (germline): Uncertain significance. Review status: criteria provided, multiple submitters, no conflicts (2 of 4 stars). 5 submissions from 5 submitters: Uncertain significance (5). Last evaluated 2025-12-10.

Conditions:
Marinesco-Sjögren syndrome (MSS). Also called: Marinesco-SjÃ¶gren syndrome; Marinesco-Sjogren Syndrome. Identifiers: Orphanet 559, MedGen C0024814, MONDO:0009567, OMIM 248800.
SIL1-related disorder. Also called: SIL1-related condition.

Allele frequency attached by ClinVar (database versions not stated): ESP Exome Variant Server 0.00023.
gnomAD v4.1: 169 of 1,613,466 alleles (0.01%); highest among the groups gnomAD compares: South Asian, 0.035%; 1 homozygote.

Submissions (5):

PreventionGenetics, part of Exact Sciences
Classification: Uncertain significance for SIL1-related condition. Last evaluated: 2025-12-10. Review status: criteria provided, single submitter. Criteria: ACMG Guidelines, 2015. Collection method: clinical testing. Allele origin: germline.
Comment: The SIL1 c.1238G>A variant is predicted to result in the amino acid substitution p.Arg413His. To our knowledge, this variant has not been reported in the literature. This variant is reported in 0.049% of alleles in individuals of South Asian descent in gnomAD. Although we suspect that this variant may be benign, at this time, the clinical significance of this variant is uncertain due to the absence of conclusive functional and genetic evidence.

Labcorp Genetics (formerly Invitae), Labcorp
Classification: Uncertain significance for Marinesco-Sjögren syndrome. Last evaluated: 2022-08-05. Review status: criteria provided, single submitter. Criteria: Invitae Variant Classification Sherloc (09022015). Collection method: clinical testing. Allele origin: germline.
Comment: This sequence change replaces arginine, which is basic and polar, with histidine, which is basic and polar, at codon 413 of the SIL1 protein (p.Arg413His). This variant is present in population databases (rs138448654, gnomAD 0.05%), including at least one homozygous and/or hemizygous individual. This variant has not been reported in the literature in individuals affected with SIL1-related conditions. ClinVar contains an entry for this variant (Variation ID: 1028266). Algorithms developed to predict the effect of missense changes on protein structure and function output the following: SIFT: "Tolerated"; PolyPhen-2: "Benign"; Align-GVGD: "Class C0". The histidine amino acid residue is found in multiple mammalian species, which suggests that this missense change does not adversely affect protein function. In summary, the available evidence is currently insufficient to determine the role of this variant in disease. Therefore, it has been classified as a Variant of Uncertain Significance.

Athena Diagnostics
Classification: Uncertain significance. Last evaluated: 2022-03-22. Review status: criteria provided, single submitter. Criteria: Athena Diagnostics Criteria. Collection method: clinical testing. Allele origin: unknown.

Revvity Omics, Revvity
Classification: Uncertain significance for Marinesco-Sjögren syndrome. Last evaluated: 2021-05-10. Review status: criteria provided, single submitter. Criteria: ACMG Guidelines, 2015. Collection method: clinical testing. Allele origin: germline.

Baylor Genetics
Classification: Uncertain significance for Marinesco-Sjögren syndrome. Last evaluated: 2019-04-07. Review status: criteria provided, single submitter. Criteria: ACMG Guidelines, 2015. Collection method: clinical testing. Allele origin: maternal. Affected: yes.
Comment: This variant was determined to be of uncertain significance according to ACMG Guidelines, 2015 [PMID:25741868].

NM_022464.5(SIL1):c.1238G>A (p.Arg413His)

Gene: SIL1 (SIL1 nucleotide exchange factor; minus strand). Cytogenetic location: 5q31.2.
Variant type: single nucleotide variant.
Coding change: c.1238G>A on transcript NM_022464.5 (MANE Select); coding-DNA position 1238, G replaced by A.
Protein change: p.Arg413His; replaces arginine 413 with histidine.
Molecular consequence: missense variant.
Genome position (GRCh38, 1-based): chr5:138,947,265, C>T on the plus strand (G>A on the coding strand, the complement: SIL1 is on the minus strand). VCF-style: chr5-138947265-C-T. GRCh37 (hg19) VCF-style: chr5-138282954-C-T.
Other names: c.1238G>A, p.Arg413His (NM_001037633.2); short protein forms R413H.
Identifiers: ClinVar variation 1028266 (VCV001028266.8), dbSNP rs138448654, ClinGen allele CA3432339.
Genomic context (GRCh38, chr5:138,947,265, plus strand): 5'-GCCAGCACCTGGTACTCAGCCTGCAGGCTGGCCAGTGTCCTGCCGAGCTGGGGGTCCTGA[C>T]GGTAGCGGTCCCGGCAGGTGGTCAGGAGGACGCCCAGTGTCTGCAGCACCTTCTCACGGG-3'
Protein context (NP_071909.1, residues 403-423): VLLTTCRDRY[Arg413His]QDPQLGRTLA